The following is an entry in ClinVar:

NM_000051.4(ATM):c.1106C>T (p.Ser369Phe)

Gene: ATM (ATM serine/threonine kinase; plus strand). Cytogenetic location: 11q22.3.
Variant type: single nucleotide variant.
Coding change: c.1106C>T on transcript NM_000051.4 (MANE Select); coding-DNA position 1106, C replaced by T.
Protein change: p.Ser369Phe; replaces serine 369 with phenylalanine.
Molecular consequence: missense variant.
Genome position (GRCh38, 1-based): chr11:108,248,973, C>T. VCF-style: chr11-108248973-C-T. GRCh37 (hg19) VCF-style: chr11-108119700-C-T.
Other names: c.1106C>T, p.Ser369Phe (NM_001351834.2); short protein forms S369F.
Identifiers: ClinVar variation 453354 (VCV000453354.13), dbSNP rs762557654, ClinGen allele CA6264763.
Genomic context (GRCh38, chr11:108,248,973, plus strand): 5'-GATTTATTTTTATTTTACAGGTTTTTAATGAAGATACCAGATCCTTGGAGATTTCTCAAT[C>T]TTACACTACTACACAAAGAGAATCTAGTGATTACAGTGTCCCTTGCAAAAGGAAGAAAAT-3'
Protein context (NP_000042.3, residues 359-379): EDTRSLEISQ[Ser369Phe]YTTTQRESSD

ClinVar aggregate classification (germline): Uncertain significance. Review status: criteria provided, multiple submitters, no conflicts (2 of 4 stars). 5 submissions from 5 submitters: Uncertain significance (4). 1 of the submissions does not count toward it. Last evaluated 2023-11-16.

Conditions:
Hereditary cancer-predisposing syndrome. Also called: Tumor predisposition; Hereditary Cancer Syndrome; Neoplastic Syndromes, Hereditary; Hereditary neoplastic syndrome. Identifiers: Orphanet 140162, MedGen C0027672, MeSH D009386, MONDO:0015356.
Ataxia-telangiectasia syndrome (AT). Also called: Cerebello-oculocutaneous telangiectasia; Immunodeficiency with ataxia telangiectasia; Ataxia-telangiectasia, complementation group D; AT, COMPLEMENTATION GROUP C; Ataxia-telangiectasia, complementation group E; LOUIS-BAR SYNDROME. Identifiers: Orphanet 100, MedGen C0004135, MONDO:0008840, OMIM 208900.

Allele frequency attached by ClinVar (database versions not stated): gnomAD exomes below 0.00001; TOPMed below 0.00001; ExAC 0.00001.
gnomAD v4.1: 3 of 1,612,002 alleles (0.00019%); highest among the groups gnomAD compares: Non-Finnish European, 0.000085%; no homozygotes.

Submissions (5):

Ambry Genetics
Classification: Uncertain significance for Hereditary cancer-predisposing syndrome. Last evaluated: 2023-11-16. Review status: criteria provided, single submitter. Criteria: Ambry Variant Classification Scheme 2023. Collection method: clinical testing. Allele origin: germline.
Comment: The p.S369F variant (also known as c.1106C>T), located in coding exon 8 of the ATM gene, results from a C to T substitution at nucleotide position 1106. The serine at codon 369 is replaced by phenylalanine, an amino acid with highly dissimilar properties. This amino acid position is well conserved in available vertebrate species. In addition, this alteration is predicted to be tolerated by in silico analysis. Since supporting evidence is limited at this time, the clinical significance of this alteration remains unclear.

Labcorp Genetics (formerly Invitae), Labcorp
Classification: Uncertain significance for Ataxia-telangiectasia syndrome. Last evaluated: 2022-07-04. Review status: criteria provided, single submitter. Criteria: Invitae Variant Classification Sherloc (09022015). Collection method: clinical testing. Allele origin: germline.
Comment: This sequence change replaces serine, which is neutral and polar, with phenylalanine, which is neutral and non-polar, at codon 369 of the ATM protein (p.Ser369Phe). This variant is present in population databases (rs762557654, gnomAD 0.0009%). This variant has not been reported in the literature in individuals affected with ATM-related conditions. ClinVar contains an entry for this variant (Variation ID: 453354). Advanced modeling of protein sequence and biophysical properties (such as structural, functional, and spatial information, amino acid conservation, physicochemical variation, residue mobility, and thermodynamic stability) performed at Invitae indicates that this missense variant is not expected to disrupt ATM protein function. In summary, the available evidence is currently insufficient to determine the role of this variant in disease. Therefore, it has been classified as a Variant of Uncertain Significance.

Mendelics
Classification: Uncertain significance. Last evaluated: 2022-05-04. Review status: criteria provided, single submitter. Criteria: Mendelics Assertion Criteria 2019. Collection method: clinical testing. Allele origin: germline.

Color Diagnostics, LLC DBA Color Health
Classification: Uncertain significance for Hereditary cancer-predisposing syndrome. Last evaluated: 2018-09-11. Review status: criteria provided, single submitter. Criteria: ACMG Guidelines, 2015. Collection method: clinical testing. Allele origin: germline.

Counsyl
Classification: Uncertain significance for Ataxia-telangiectasia syndrome. Last evaluated: 2018-05-21. Review status: no assertion criteria provided. Collection method: clinical testing. Allele origin: unknown. Not counted in ClinVar's aggregate classification.